The following is an entry in ClinVar:

NM_000360.4(TH):c.934C>T (p.Gln312Ter)

Gene: TH (tyrosine hydroxylase; minus strand). Cytogenetic location: 11p15.5.
Variant type: single nucleotide variant.
Coding change: c.934C>T on transcript NM_000360.4 (MANE Select); coding-DNA position 934, C replaced by T.
Protein change: p.Gln312Ter; replaces glutamine 312 with a stop codon.
Molecular consequence: nonsense.
Genome position (GRCh38, 1-based): chr11:2,166,676, G>A on the plus strand (C>T on the coding strand, the complement: TH is on the minus strand). VCF-style: chr11-2166676-G-A. GRCh37 (hg19) VCF-style: chr11-2187906-G-A.
Other names: c.1027C>T, p.Gln343Ter (NM_199292.3); c.1015C>T, p.Gln339Ter (NM_199293.3); c.1027C>T (NM_199292.2); short protein forms Q312*, Q339*, Q343*.
Identifiers: ClinVar variation 2679200 (VCV002679200.7), dbSNP rs1337159250, ClinGen allele CA379126181.

ClinVar aggregate classification (germline): Pathogenic/Likely pathogenic. Review status: criteria provided, multiple submitters, no conflicts (2 of 4 stars). 4 submissions from 4 submitters: Pathogenic (1); Likely pathogenic (3). Last evaluated 2024-06-04.

Conditions:
TH-deficient dopa-responsive dystonia. Also called: Tyrosine Hydroxylase-Deficient Dopa-Responsive Dystonia; Segawa syndrome, autosomal recessive; DYT-TH. Identifiers: Orphanet 101150, MedGen C2673535, MONDO:0011551, OMIM 605407.

Allele frequency attached by ClinVar (database versions not stated): gnomAD exomes below 0.00001.
gnomAD v4.1: 6 of 1,566,422 alleles (0.00038%); highest among the groups gnomAD compares: South Asian, 0.007%; no homozygotes.

Submissions (4):

Natera, Inc.
Classification: Likely pathogenic for Autosomal recessive Segawa syndrome. Last evaluated: 2024-06-04. Review status: criteria provided, single submitter. Criteria: Natera Variant Classification Schema (03/2026). Collection method: clinical testing. Allele origin: germline.
Comment: The c.1027C>T variant in TH is a nonsense variant predicted to introduce a stop codon at amino acid 343. This variant is expected to result in nonsense mediated decay, truncation, or a dysfunctional protein product. This variant is rare in the general population with a frequency below the threshold expected for the associated phenotype(s). Given the available evidence, this variant is classified as Likely Pathogenic.

Revvity Omics, Revvity
Classification: Likely pathogenic for TH-deficient dopa-responsive dystonia. Last evaluated: 2024-03-20. Review status: criteria provided, single submitter. Criteria: ACMG Guidelines, 2015. Collection method: clinical testing. Allele origin: germline.

Baylor Genetics
Classification: Likely pathogenic for TH-deficient dopa-responsive dystonia. Last evaluated: 2024-02-04. Review status: criteria provided, single submitter. Criteria: ACMG Guidelines, 2015. Collection method: clinical testing. Allele origin: unknown.

Labcorp Genetics (formerly Invitae), Labcorp
Classification: Pathogenic for TH-deficient dopa-responsive dystonia. Last evaluated: 2023-06-16. Review status: criteria provided, single submitter. Criteria: Invitae Variant Classification Sherloc (09022015). Collection method: clinical testing. Allele origin: germline.
Comment: For these reasons, this variant has been classified as Pathogenic. This variant has not been reported in the literature in individuals affected with TH-related conditions. The frequency data for this variant in the population databases is considered unreliable, as metrics indicate poor data quality at this position in the gnomAD database. This sequence change creates a premature translational stop signal (p.Gln343*) in the TH gene. It is expected to result in an absent or disrupted protein product. Loss-of-function variants in TH are known to be pathogenic (PMID: 22264700, 24753243).

Literature cited by the submitters: PubMed 22264700 (cited by Labcorp Genetics (formerly Invitae), Labcorp); PubMed 24753243 (cited by Labcorp Genetics (formerly Invitae), Labcorp).